The following is an entry in ClinVar:

ClinVar aggregate classification (germline): Uncertain significance (1 of 4 stars; one submission).

Submission:

Labcorp Genetics (formerly Invitae), Labcorp
Classification: Uncertain significance. Last evaluated: 2025-03-10. Review status: criteria provided, single submitter. Criteria: Invitae Variant Classification Sherloc (09022015). Collection method: clinical testing. Allele origin: germline.
Comment: This sequence change creates a premature translational stop signal (p.Tyr106Ilefs*17) in the CARD8 gene. It is expected to result in an absent or disrupted protein product. However, the current clinical and genetic evidence is not sufficient to establish whether loss-of-function variants in CARD8 cause disease. This variant is not present in population databases (gnomAD no frequency). This variant has not been reported in the literature in individuals affected with CARD8-related conditions. ClinVar contains an entry for this variant (Variation ID: 2971521). In summary, the available evidence is currently insufficient to determine the role of this variant in disease. Therefore, it has been classified as a Variant of Uncertain Significance.

NM_001184900.3(CARD8):c.466del (p.Tyr156fs)

Gene: CARD8 (caspase recruitment domain family member 8; minus strand). Cytogenetic location: 19q13.33.
Variant type: Deletion.
Coding change: c.466del on transcript NM_001184900.3 (MANE Select); coding-DNA position 466, one base deleted (T; older notation c.466delT).
Protein change: p.Tyr156fs; shifts the reading frame from tyrosine 156.
Molecular consequence: frameshift variant. On other transcripts: non-coding transcript variant (4).
Genome position (GRCh38, 1-based): chr19:48,231,736, A deleted on the plus strand (T on the coding strand, the reverse complement: CARD8 is on the minus strand); the first of 2 consecutive A bases (chr19:48,231,736-48,231,737); deleting either gives the same sequence. VCF-style (leftmost placement, unchanged base first): chr19-48231735-TA-T. GRCh37 (hg19) VCF-style: chr19-48734992-TA-T.
Other names: c.316del, p.Tyr106fs (NM_001184901.1, NM_001351783.2, NM_001351788.2 and 2 more transcripts); c.466del, p.Tyr156fs (NM_001184902.2, NM_001184903.1, NM_001351782.2); c.151del, p.Tyr51fs (NM_001351784.2, NM_001351787.2, NM_001351791.2 and 2 more transcripts); c.130del, p.Tyr44fs (NM_001351786.2); c.223del, p.Tyr75fs (NM_001351790.2); c.-358delT (NM_001426741.1); short protein forms Y156fs, Y106fs, Y44fs, Y51fs, Y75fs.
Identifiers: ClinVar variation 2971521 (VCV002971521.3), dbSNP rs2042932032, ClinGen allele CA2339798064.